The following is an entry in ClinVar:

NM_206933.4(USH2A):c.10603A>G (p.Ile3535Val)

Gene: USH2A (usherin; minus strand). Cytogenetic location: 1q41.
Variant type: single nucleotide variant.
Coding change: c.10603A>G on transcript NM_206933.4 (MANE Select); coding-DNA position 10603, A replaced by G.
Protein change: p.Ile3535Val; replaces isoleucine 3535 with valine.
Molecular consequence: missense variant.
Genome position (GRCh38, 1-based): chr1:215,782,179, T>C on the plus strand (A>G on the coding strand, the complement: USH2A is on the minus strand). VCF-style: chr1-215782179-T-C. GRCh37 (hg19) VCF-style: chr1-215955521-T-C.
Other names: short protein forms I3535V.
Identifiers: ClinVar variation 1919993 (VCV001919993.3), dbSNP rs763734089, ClinGen allele CA1393971.

ClinVar aggregate classification (germline): Uncertain significance (1 of 4 stars; one submission).

Allele frequency attached by ClinVar (database versions not stated): gnomAD exomes below 0.00001; ExAC 0.00001.
gnomAD v4.1: 4 of 1,613,864 alleles (0.00025%); highest among the groups gnomAD compares: Middle Eastern, 0.033%; no homozygotes.

Submission:

Labcorp Genetics (formerly Invitae), Labcorp
Classification: Uncertain significance. Last evaluated: 2025-11-10. Review status: criteria provided, single submitter. Criteria: Invitae Variant Classification Sherloc (09022015). Collection method: clinical testing. Allele origin: germline.
Comment: This sequence change replaces isoleucine, which is neutral and non-polar, with valine, which is neutral and non-polar, at codon 3535 of the USH2A protein (p.Ile3535Val). This variant is not present in population databases (gnomAD no frequency). This variant has not been reported in the literature in individuals affected with USH2A-related conditions. ClinVar contains an entry for this variant (Variation ID: 1919993). Invitae Evidence Modeling of protein sequence and biophysical properties (such as structural, functional, and spatial information, amino acid conservation, physicochemical variation, residue mobility, and thermodynamic stability) indicates that this missense variant is not expected to disrupt USH2A protein function with a negative predictive value of 95%. In summary, the available evidence is currently insufficient to determine the role of this variant in disease. Therefore, it has been classified as a Variant of Uncertain Significance.